The following is an entry in ClinVar:

NM_001286.5(CLCN6):c.580+6A>C

Gene: CLCN6 (chloride voltage-gated channel 6; plus strand). Cytogenetic location: 1p36.22.
Variant type: single nucleotide variant.
Coding change: c.580+6A>C on transcript NM_001286.5 (MANE Select); 6 bases into the intron after coding-DNA position 580, A replaced by C.
Molecular consequence: intron variant.
Genome position (GRCh38, 1-based): chr1:11,823,839, A>C. VCF-style: chr1-11823839-A-C. GRCh37 (hg19) VCF-style: chr1-11883896-A-C.
Other names: c.514+6A>C (NM_001256959.2).
Identifiers: ClinVar variation 3642449 (VCV003642449.2).
Genomic context (GRCh38, chr1:11,823,839, plus strand): 5'-CGTCTCCGGACCCTGCTCTGCAAGGTCCTTGGAGTGCTGTTCAGTGTGGCTGGAGGTAAG[A>C]AGGGTCCAACTTGTATCCTTCAAATACTCAAAGGGCAGAGACGACAAGAAGCATGATGTA-3'

ClinVar aggregate classification (germline): Uncertain significance (1 of 4 stars; one submission).

Submission:

Labcorp Genetics (formerly Invitae), Labcorp
Classification: Uncertain significance. Last evaluated: 2024-02-22. Review status: criteria provided, single submitter. Criteria: Invitae Variant Classification Sherloc (09022015). Collection method: clinical testing. Allele origin: germline.
Comment: This sequence change falls in intron 7 of the CLCN6 gene. It does not directly change the encoded amino acid sequence of the CLCN6 protein. It affects a nucleotide within the consensus splice site. This variant is not present in population databases (gnomAD no frequency). This variant has not been reported in the literature in individuals affected with CLCN6-related conditions. Variants that disrupt the consensus splice site are a relatively common cause of aberrant splicing (PMID: 17576681, 9536098). Algorithms developed to predict the effect of sequence changes on RNA splicing suggest that this variant is not likely to affect RNA splicing. In summary, the available evidence is currently insufficient to determine the role of this variant in disease. Therefore, it has been classified as a Variant of Uncertain Significance.

Literature cited by the submitters: PubMed 17576681; PubMed 9536098.